The following is an entry in ClinVar:

ClinVar aggregate classification (germline): Likely benign. Review status: criteria provided, multiple submitters, no conflicts (2 of 4 stars). 2 submissions from 2 submitters: Likely benign (2). Last evaluated 2025-07-06.

Allele frequency attached by ClinVar (database versions not stated): gnomAD exomes below 0.00001; ExAC 0.00001.
gnomAD v4.1: 2 of 1,614,080 alleles (0.00012%); highest among the groups gnomAD compares: Non-Finnish European, 0.00017%; no homozygotes.

Submissions (2):

Labcorp Genetics (formerly Invitae), Labcorp
Classification: Likely benign. Last evaluated: 2025-07-06. Review status: criteria provided, single submitter. Criteria: Invitae Variant Classification Sherloc (09022015). Collection method: clinical testing. Allele origin: germline.

CeGaT Center for Human Genetics Tuebingen
Classification: Likely benign. Last evaluated: 2024-04-01. Review status: criteria provided, single submitter. Criteria: CeGaT Center For Human Genetics Tuebingen Variant Classification Criteria Version 2. Collection method: clinical testing. Allele origin: germline. Affected: yes. Observed: 1 variant allele.
Comment: EIF2AK3: BP4, BP7

NM_004836.7(EIF2AK3):c.642T>C (p.Tyr214=)

Gene: EIF2AK3 (eukaryotic translation initiation factor 2 alpha kinase 3; minus strand). Cytogenetic location: 2p11.2.
Variant type: single nucleotide variant.
Coding change: c.642T>C on transcript NM_004836.7 (MANE Select); coding-DNA position 642, T replaced by C.
Protein change: p.Tyr214=; no amino-acid change (tyrosine 214 retained).
Molecular consequence: synonymous variant.
Genome position (GRCh38, 1-based): chr2:88,593,397, A>G on the plus strand (T>C on the coding strand, the complement: EIF2AK3 is on the minus strand). VCF-style: chr2-88593397-A-G. GRCh37 (hg19) VCF-style: chr2-88892915-A-G.
Other names: c.189T>C, p.Tyr63= (NM_001313915.2).
Identifiers: ClinVar variation 2027086 (VCV002027086.24), dbSNP rs756945492, ClinGen allele CA1754871.